The following is an entry in ClinVar:

ClinVar aggregate classification (germline): Uncertain significance. Review status: criteria provided, multiple submitters, no conflicts (2 of 4 stars). 2 submissions from 2 submitters: Uncertain significance (2). Last evaluated 2025-12-01.

Conditions:
Inborn genetic diseases. Identifiers: MedGen C0950123, MeSH D030342.

Allele frequency attached by ClinVar (database versions not stated): gnomAD exomes below 0.00001; gnomAD 0.00001.
gnomAD v4.1: 4 of 1,613,658 alleles (0.00025%); highest among the groups gnomAD compares: South Asian, 0.0022%; no homozygotes.

Submissions (2):

CeGaT Center for Human Genetics Tuebingen
Classification: Uncertain significance. Last evaluated: 2025-12-01. Review status: criteria provided, single submitter. Criteria: CeGaT Center For Human Genetics Tuebingen Variant Classification Criteria Version 2. Collection method: clinical testing. Allele origin: germline. Affected: yes. Observed: 1 variant allele.
Comment: CACNA1G: PP2

Ambry Genetics
Classification: Uncertain significance for Inborn genetic diseases. Last evaluated: 2022-01-07. Review status: criteria provided, single submitter. Criteria: Ambry Variant Classification Scheme 2023. Collection method: clinical testing. Allele origin: germline.

NM_018896.5(CACNA1G):c.4957A>G (p.Ile1653Val)

Gene: CACNA1G (calcium voltage-gated channel subunit alpha1 G; plus strand). Cytogenetic location: 17q21.33.
Variant type: single nucleotide variant.
Coding change: c.4957A>G on transcript NM_018896.5 (MANE Select); coding-DNA position 4957, A replaced by G.
Protein change: p.Ile1653Val; replaces isoleucine 1653 with valine.
Molecular consequence: missense variant. On other transcripts: non-coding transcript variant (5).
Genome position (GRCh38, 1-based): chr17:50,616,320, A>G. VCF-style: chr17-50616320-A-G. GRCh37 (hg19) VCF-style: chr17-48693681-A-G.
Other names: c.4903A>G, p.Ile1635Val (NM_001256324.2, NM_001256328.2, NM_198386.3); c.4978A>G, p.Ile1660Val (NM_001256325.2); c.4822A>G, p.Ile1608Val (NM_001256326.2, NM_001256330.2); c.4957A>G, p.Ile1653Val (NM_001256327.2, NM_001256333.2, NM_198384.3 and 1 more transcripts); c.4855A>G, p.Ile1619Val (NM_001256329.2, NM_198376.3, NM_198379.3 and 2 more transcripts); c.4801A>G, p.Ile1601Val (NM_001256331.2); c.4786A>G, p.Ile1596Val (NM_001256332.2); c.4924A>G, p.Ile1642Val (NM_001256334.2, NM_198377.3, NM_198378.3 and 1 more transcripts); and 5 more; short protein forms I1617V, I1635V, I1642V, I1612V, I1626V, I1653V, I1601V, I1608V.
Identifiers: ClinVar variation 2271017 (VCV002271017.7), dbSNP rs2050593380, ClinGen allele CA400261983.